The following is an entry in ClinVar:

NM_000260.4(MYO7A):c.1838A>C (p.Gln613Pro)

Gene: MYO7A (myosin VIIA; plus strand). Cytogenetic location: 11q13.5.
Variant type: single nucleotide variant.
Coding change: c.1838A>C on transcript NM_000260.4 (MANE Select); coding-DNA position 1838, A replaced by C.
Protein change: p.Gln613Pro; replaces glutamine 613 with proline.
Molecular consequence: missense variant.
Genome position (GRCh38, 1-based): chr11:77,172,788, A>C. VCF-style: chr11-77172788-A-C. GRCh37 (hg19) VCF-style: chr11-76883834-A-C.
Other names: c.1838A>C, p.Gln613Pro (NM_001127180.2); c.1805A>C, p.Gln602Pro (NM_001369365.1); short protein forms Q602P, Q613P.
Identifiers: ClinVar variation 3634252 (VCV003634252.2).

ClinVar aggregate classification (germline): Likely pathogenic (1 of 4 stars; one submission).

Submission:

Labcorp Genetics (formerly Invitae), Labcorp
Classification: Likely pathogenic. Last evaluated: 2024-09-30. Review status: criteria provided, single submitter. Criteria: Invitae Variant Classification Sherloc (09022015). Collection method: clinical testing. Allele origin: germline.
Comment: This sequence change replaces glutamine, which is neutral and polar, with proline, which is neutral and non-polar, at codon 613 of the MYO7A protein (p.Gln613Pro). This variant is not present in population databases (gnomAD no frequency). This missense change has been observed in individual(s) with autosomal recessive deafness (internal data). In at least one individual the data is consistent with being in trans (on the opposite chromosome) from a pathogenic variant. Invitae Evidence Modeling of protein sequence and biophysical properties (such as structural, functional, and spatial information, amino acid conservation, physicochemical variation, residue mobility, and thermodynamic stability) indicates that this missense variant is expected to disrupt MYO7A protein function with a positive predictive value of 95%. In summary, the currently available evidence indicates that the variant is pathogenic, but additional data are needed to prove that conclusively. Therefore, this variant has been classified as Likely Pathogenic.